The following is an entry in ClinVar:

ClinVar aggregate classification (germline): Uncertain significance (1 of 4 stars; one submission).

Conditions:
Muscular dystrophy-dystroglycanopathy (congenital with impaired intellectual development), type B, 1. Also called: Muscular dystrophy-dystroglycanopathy (congenital with intellectual disability), type B1; MUSCULAR DYSTROPHY, CONGENITAL, POMT1-RELATED. Identifiers: MedGen C5436962, MONDO:0013159, OMIM 613155.
Walker-Warburg congenital muscular dystrophy. Also called: Muscular dystrophy-dystroglycanopathy, type A; Walker-Warburg syndrome. Identifiers: Orphanet 899, MedGen C0265221, MONDO:0000171.
Autosomal recessive limb-girdle muscular dystrophy type 2K. Also called: MUSCULAR DYSTROPHY-DYSTROGLYCANOPATHY (LIMB-GIRDLE), TYPE C, 1; MUSCULAR DYSTROPHY, LIMB-GIRDLE, TYPE 2K. Identifiers: Orphanet 86812, MedGen C1836373, MONDO:0012248, OMIM 609308.

Allele frequency attached by ClinVar (database versions not stated): TOPMed below 0.00001; ExAC 0.00001; gnomAD 0.00001.

Submission:

Labcorp Genetics (formerly Invitae), Labcorp
Classification: Uncertain significance for Muscular dystrophy-dystroglycanopathy (congenital with impaired intellectual development), type B, 1; Walker-Warburg congenital muscular dystrophy; Autosomal recessive limb-girdle muscular dystrophy type 2K. Last evaluated: 2022-08-19. Review status: criteria provided, single submitter. Criteria: Invitae Variant Classification Sherloc (09022015). Collection method: clinical testing. Allele origin: germline.
Comment: This sequence change replaces methionine, which is neutral and non-polar, with valine, which is neutral and non-polar, at codon 118 of the POMT1 protein (p.Met118Val). This variant is present in population databases (rs753851617, gnomAD 0.003%). This variant has not been reported in the literature in individuals affected with POMT1-related conditions. Algorithms developed to predict the effect of missense changes on protein structure and function (SIFT, PolyPhen-2, Align-GVGD) all suggest that this variant is likely to be tolerated. In summary, the available evidence is currently insufficient to determine the role of this variant in disease. Therefore, it has been classified as a Variant of Uncertain Significance.

NM_001077365.2(POMT1):c.352A>G (p.Met118Val)

Gene: POMT1 (protein O-mannosyltransferase 1; plus strand). Cytogenetic location: 9q34.13.
Variant type: single nucleotide variant.
Coding change: c.352A>G on transcript NM_001077365.2 (MANE Select); coding-DNA position 352, A replaced by G.
Protein change: p.Met118Val; replaces methionine 118 with valine.
Molecular consequence: missense variant. On other transcripts: initiator codon variant (5), non-coding transcript variant (9), intron variant (2).
Genome position (GRCh38, 1-based): chr9:131,507,439, A>G. VCF-style: chr9-131507439-A-G. GRCh37 (hg19) VCF-style: chr9-134382826-A-G.
Other names: c.190A>G, p.Met64Val (NM_001077366.2, NM_001353194.2, NM_001353197.2 and 3 more transcripts); c.352A>G, p.Met118Val (NM_001136113.2, NM_001353193.2, NM_001374690.1 and 1 more transcripts); c.1A>G, p.Met1Val (NM_001136114.2, NM_001353195.2, NM_001353199.2 and 2 more transcripts); c.262A>G, p.Met88Val (NM_001353196.2); c.-29-1472A>G (NM_001374695.1); c.-30+986A>G (NM_001353200.2); short protein forms M88V, M1V, M118V, M64V.
Identifiers: ClinVar variation 2157401 (VCV002157401.2), dbSNP rs753851617, ClinGen allele CA5293242.